The following is an entry in ClinVar:

NM_001018115.3(FANCD2):c.527T>C (p.Ile176Thr)

Genes: FANCD2 (FA complementation group D2; plus strand), LOC107303338 (3p25 FANCD2 Alu-mediated recombination region; plus strand). Cytogenetic location: 3p25.3.
Variant type: single nucleotide variant.
Coding change: c.527T>C on transcript NM_001018115.3 (MANE Select); coding-DNA position 527, T replaced by C.
Protein change: p.Ile176Thr; replaces isoleucine 176 with threonine.
Molecular consequence: missense variant.
Genome position (GRCh38, 1-based): chr3:10,039,314, T>C. VCF-style: chr3-10039314-T-C. GRCh37 (hg19) VCF-style: chr3-10080998-T-C.
Other names: c.527T>C, p.Ile176Thr (NM_001319984.2, NM_001374253.1, NM_001374254.1 and 2 more transcripts); short protein forms I176T.
Identifiers: ClinVar variation 2161279 (VCV002161279.4), dbSNP rs925571853, ClinGen allele CA70024221.

ClinVar aggregate classification (germline): Uncertain significance (1 of 4 stars; one submission).

Conditions:
Fanconi anemia (FA). Also called: Fanconi's anemia. Identifiers: Orphanet 84, MedGen C0015625, MeSH D005199, MONDO:0019391.

Allele frequency attached by ClinVar (database versions not stated): gnomAD exomes below 0.00001; TOPMed below 0.00001.
gnomAD v4.1: 5 of 1,613,964 alleles (0.00031%); highest among the groups gnomAD compares: South Asian, 0.0011%; no homozygotes.

Submission:

Labcorp Genetics (formerly Invitae), Labcorp
Classification: Uncertain significance for Fanconi anemia. Last evaluated: 2024-03-15. Review status: criteria provided, single submitter. Criteria: Invitae Variant Classification Sherloc (09022015). Collection method: clinical testing. Allele origin: germline.
Comment: This sequence change replaces isoleucine, which is neutral and non-polar, with threonine, which is neutral and polar, at codon 176 of the FANCD2 protein (p.Ile176Thr). This variant is not present in population databases (gnomAD no frequency). This variant has not been reported in the literature in individuals affected with FANCD2-related conditions. ClinVar contains an entry for this variant (Variation ID: 2161279). Advanced modeling of protein sequence and biophysical properties (such as structural, functional, and spatial information, amino acid conservation, physicochemical variation, residue mobility, and thermodynamic stability) performed at Invitae indicates that this missense variant is expected to disrupt FANCD2 protein function with a positive predictive value of 80%. In summary, the available evidence is currently insufficient to determine the role of this variant in disease. Therefore, it has been classified as a Variant of Uncertain Significance.